The following is an entry in ClinVar:

ClinVar aggregate classification (germline): Likely benign (1 of 4 stars; one submission).

Allele frequency attached by ClinVar (database versions not stated): TOPMed 0.00029; gnomAD 0.00037; 1000 Genomes Project 30x 0.00047; 1000 Genomes Project 0.00060.
gnomAD v4.1: 710 of 1,602,192 alleles (0.044%); highest among the groups gnomAD compares: South Asian, 0.11%; no homozygotes.

Submission:

CeGaT Center for Human Genetics Tuebingen
Classification: Likely benign. Last evaluated: 2024-09-01. Review status: criteria provided, single submitter. Criteria: CeGaT Center For Human Genetics Tuebingen Variant Classification Criteria Version 2. Collection method: clinical testing. Allele origin: germline. Affected: yes. Observed: 2 variant alleles.
Comment: KAT6B: BP4, BP7, BS1

NM_012330.4(KAT6B):c.621+54C>T

Gene: KAT6B (lysine acetyltransferase 6B; plus strand). Cytogenetic location: 10q22.2.
Variant type: single nucleotide variant.
Coding change: c.621+54C>T on transcript NM_012330.4 (MANE Select); 54 bases into the intron after coding-DNA position 621, C replaced by T.
Molecular consequence: intron variant.
Genome position (GRCh38, 1-based): chr10:74,843,532, C>T. VCF-style: chr10-74843532-C-T. GRCh37 (hg19) VCF-style: chr10-76603290-C-T.
Other names: c.621+54C>T (NM_001370139.1, NM_001370136.1, NM_001370138.1 and 10 more transcripts); c.83+54C>T (NM_001370134.1, NM_001370135.1).
Identifiers: ClinVar variation 2640600 (VCV002640600.24), dbSNP rs150230776, ClinGen allele CA209908715.